The following is an entry in ClinVar:

NM_000321.3(RB1):c.1960+1G>T

Gene: RB1 (RB transcriptional corepressor 1; plus strand). Cytogenetic location: 13q14.2.
Variant type: single nucleotide variant.
Coding change: c.1960+1G>T on transcript NM_000321.3 (MANE Select); the canonical splice donor site of the intron after coding-DNA position 1960, G replaced by T.
Molecular consequence: splice donor variant.
Genome position (GRCh38, 1-based): chr13:48,456,350, G>T. VCF-style: chr13-48456350-G-T. GRCh37 (hg19) VCF-style: chr13-49030486-G-T.
Other names: c.1960+1G>T (NM_001407165.1).
Identifiers: ClinVar variation 937328 (VCV000937328.10), dbSNP rs1949360306, ClinGen allele CA388166321.

ClinVar aggregate classification (germline): Pathogenic/Likely pathogenic. Review status: criteria provided, multiple submitters, no conflicts (2 of 4 stars). 5 submissions from 5 submitters: Pathogenic (4); Likely pathogenic (1). Last evaluated 2025-08-13.
ClinVar aggregate classification (oncogenicity): Oncogenic (1 of 4 stars; one submission).

Conditions:
Retinoblastoma (RB1). Also called: RETINOBLASTOMA, SOMATIC. Identifiers: Orphanet 790, MedGen C0035335, MeSH D012175, MONDO:0008380, OMIM 180200, HP:0009919. Disease mechanism: loss of function. Inheritance: Both sporadic and heritable forms are tested..
Hereditary retinoblastoma. Identifiers: Orphanet 357027, MedGen C0751483, MONDO:0018160.
Neoplasm. Also called: tumor; Neoplasms; Neoplasm (disease). Identifiers: MedGen C0027651, MeSH D009369, MONDO:0005070, HP:0002664.

Submissions (6):

Center for Genomic Medicine, Rigshospitalet, Copenhagen University Hospital
Classification: Oncogenic for Neoplasm. Last evaluated: 2026-10-16. Review status: criteria provided, single submitter. Criteria: ClinGen/CGC/VICC Guidelines for Oncogenicity, 2022. Collection method: clinical testing. Allele origin: somatic. Affected: yes.

GeneDx
Classification: Pathogenic. Last evaluated: 2025-08-13. Review status: criteria provided, single submitter. Criteria: GeneDx Variant Classification Process June 2021. Collection method: clinical testing. Allele origin: germline. Affected: yes.
Comment: Canonical splice site variant predicted to result in a null allele in a gene for which loss of function is a known mechanism of disease; Not observed at significant frequency in large population cohorts (gnomAD); This variant is associated with the following publications: (PMID: 24225018, 34478740)

Labcorp Genetics (formerly Invitae), Labcorp
Classification: Pathogenic for Retinoblastoma. Last evaluated: 2025-05-25. Review status: criteria provided, single submitter. Criteria: Invitae Variant Classification Sherloc (09022015). Collection method: clinical testing. Allele origin: germline.
Comment: This sequence change affects a donor splice site in intron 19 of the RB1 gene. RNA analysis indicates that disruption of this splice site induces altered splicing and may result in an absent or altered protein product. This variant is not present in population databases (gnomAD no frequency). Disruption of this splice site has been observed in individuals with retinoblastoma (PMID: 7881418, 17096365, 24225018; internal data). ClinVar contains an entry for this variant (Variation ID: 937328). Studies have shown that disruption of this splice site results in skipping of exon 19, and produces a non-functional protein and/or introduces a premature termination codon (internal data). For these reasons, this variant has been classified as Pathogenic.

Institute for Genomic Medicine (IGM) Clinical Laboratory, Nationwide Children's Hospital
Classification: Likely pathogenic for Hereditary retinoblastoma. Last evaluated: 2025-05-12. Review status: criteria provided, single submitter. Criteria: ACMG Guidelines, 2015. Collection method: clinical testing. Allele origin: germline.
Comment: This variant is predicted to result in loss of function through nonsense-mediated decay of the encoded transcript or premature truncation of the encoded protein in a gene in which loss of function is a known mechanism of disease (ACMG/AMP: PVS1). This variant is absent from or present at an exceedingly low frequency in gnomAD, a large-scale control population database (ACMG/AMP: PM2).

Genetic Diagnostic Laboratory, University of Pennsylvania School of Medicine
Classification: Pathogenic for Retinoblastoma. Last evaluated: 2024-05-20. Review status: criteria provided, single submitter. Criteria: ACMG Guidelines, 2015. Collection method: clinical testing. Allele origin: germline. Affected: yes. Observed: 1 variant allele.
Comment: Case and Pedigree Information: BILATERAL CASES:1, UNILATERAL CASES:0, TOTAL CASES:1, PEDIGREES:1. ACMG Codes Applied:PVS1, PM2

Genetics Program, Instituto Nacional de Cancer
Classification: Pathogenic for Retinoblastoma. Last evaluated: 2020-08-20. Review status: criteria provided, single submitter. Criteria: ACMG Guidelines, 2015. Collection method: research. Allele origin: germline. Affected: yes. Observed: 1 variant allele.
Comment: Gene panel by NGS. Splice site variant. Found in paired blood/tumor, allele frequency: blood=0.399/tumor=0.961. Confirmed by Sanger sequencing.

Literature cited by the submitters: PubMed 7881418 (cited by Labcorp Genetics (formerly Invitae), Labcorp); PubMed 17096365 (cited by Labcorp Genetics (formerly Invitae), Labcorp); PubMed 24225018 (cited by Labcorp Genetics (formerly Invitae), Labcorp).